The following is an entry in ClinVar:

NM_001401501.2(MUC16):c.12196A>G (p.Thr4066Ala)

Gene: MUC16 (mucin 16, cell surface associated; minus strand). Cytogenetic location: 19p13.2.
Variant type: single nucleotide variant.
Coding change: c.12196A>G on transcript NM_001401501.2 (MANE Select); coding-DNA position 12196, A replaced by G.
Protein change: p.Thr4066Ala; replaces threonine 4066 with alanine.
Molecular consequence: missense variant.
Genome position (GRCh38, 1-based): chr19:8,964,694, T>C on the plus strand (A>G on the coding strand, the complement: MUC16 is on the minus strand). VCF-style: chr19-8964694-T-C. GRCh37 (hg19) VCF-style: chr19-9075370-T-C.
Other names: c.12622A>G, p.Thr4208Ala (NM_001414686.1); c.12076A>G, p.Thr4026Ala (NM_001414687.1, NM_024690.2); short protein forms T4026A, T4066A, T4208A.
Identifiers: ClinVar variation 2649259 (VCV002649259.25), dbSNP rs148585362, ClinGen allele CA9171105.

ClinVar aggregate classification (germline): Likely benign. Review status: criteria provided, single submitter (1 of 4 stars). 2 submissions from 2 submitters: Likely benign (1). 1 of the submissions does not count toward it. Last evaluated 2023-02-01.

Conditions:
MUC16-related disorder. Also called: MUC16-related condition.

Allele frequency attached by ClinVar (database versions not stated): ESP Exome Variant Server 0.00216; gnomAD 0.00234; TOPMed 0.00240; gnomAD exomes 0.00263; 1000 Genomes Project 0.00280; 1000 Genomes Project 30x 0.00297; ExAC 0.00337.

Submissions (2):

CeGaT Center for Human Genetics Tuebingen
Classification: Likely benign. Last evaluated: 2023-02-01. Review status: criteria provided, single submitter. Criteria: CeGaT Center For Human Genetics Tuebingen Variant Classification Criteria Version 2. Collection method: clinical testing. Allele origin: germline. Affected: yes. Observed: 2 variant alleles.
Comment: MUC16: BP4, BS2

PreventionGenetics, part of Exact Sciences
Classification: Benign for MUC16-related condition. Last evaluated: 2020-01-09. Review status: no assertion criteria provided. Collection method: clinical testing. Allele origin: germline. Not counted in ClinVar's aggregate classification.
Comment: This variant is classified as benign based on ACMG/AMP sequence variant interpretation guidelines (Richards et al. 2015 PMID: 25741868, with internal and published modifications).